The following is an entry in ClinVar:

NM_001347.4(DGKQ):c.2574+8G>C

Gene: DGKQ (diacylglycerol kinase theta; minus strand). Cytogenetic location: 4p16.3.
Variant type: single nucleotide variant.
Coding change: c.2574+8G>C on transcript NM_001347.4 (MANE Select); 8 bases into the intron after coding-DNA position 2574, G replaced by C.
Molecular consequence: intron variant.
Genome position (GRCh38, 1-based): chr4:961,459, C>G on the plus strand (G>C on the coding strand, the complement: DGKQ is on the minus strand). VCF-style: chr4-961459-C-G. GRCh37 (hg19) VCF-style: chr4-955247-C-G.
Identifiers: ClinVar variation 3038607 (VCV003038607.2), dbSNP rs373760127, ClinGen allele CA2799874.
Genomic context (GRCh38, chr4:961,459, plus strand): 5'-CAGCTGGGCTCAGCGGGGACCGGGGACGCCCACCCTGGGCTCGCCCGCCCACTCGGCCGG[C>G]GGCTCACCATGTGCACGACGCCCGTCACGCCCACAACCTCCAGCAGCCCGTCGTCCATGC-3'

ClinVar aggregate classification (germline): Likely benign (0 of 4 stars; one submission).

Conditions:
DGKQ-related disorder. Also called: DGKQ-related condition.

Submission:

PreventionGenetics, part of Exact Sciences
Classification: Likely benign for DGKQ-related condition. Last evaluated: 2019-05-28. Review status: no assertion criteria provided. Collection method: clinical testing. Allele origin: germline.
Comment: This variant is classified as likely benign based on ACMG/AMP sequence variant interpretation guidelines (Richards et al. 2015 PMID: 25741868, with internal and published modifications).